The following is an entry in ClinVar:

ClinVar aggregate classification (germline): Benign. Review status: criteria provided, multiple submitters, no conflicts (2 of 4 stars). 4 submissions from 3 submitters: Benign (4). Last evaluated 2021-05-12.

Conditions:
Leigh syndrome (NULS). Also called: Leigh Disease; Subacute necrotizing encephalopathy; Necrotizing encephalopathy infantile subacute of Leigh; Leigh's necrotizing encephalopathy; Leigh's disease; Leigh's syndrome. Identifiers: Orphanet 506, MedGen C2931891, MONDO:0009723, OMIM 256000.
Mitochondrial complex IV deficiency, nuclear type 1 (MC4DN1). Also called: COX DEFICIENCY; Mitochondrial complex IV deficiency; Complex 4 mitochondrial respiratory chain deficiency; Deficiency of mitochondrial respiratory chain complex4; Complex IV deficiency. Identifiers: MedGen C5435656, MONDO:0700250, OMIM 220110. Disease mechanism: loss of function.

Allele frequency attached by ClinVar (database versions not stated): TOPMed 0.16848; gnomAD 0.17502 and 0.17834; 1000 Genomes Project 30x 0.20753; 1000 Genomes Project 0.21326; gnomAD exomes 0.33333.
gnomAD v4.1: 27,019 of 152,160 alleles (18%); highest among the groups gnomAD compares: East Asian, 40%; 2,642 homozygotes.

Submissions (4):

GeneDx
Classification: Benign. Last evaluated: 2021-05-12. Review status: criteria provided, single submitter. Criteria: GeneDx Variant Classification Process June 2021. Collection method: clinical testing. Allele origin: germline. Affected: yes.

Illumina Laboratory Services, Illumina
Classification: Benign for Mitochondrial complex IV deficiency, nuclear type 1. Last evaluated: 2018-01-13. Review status: criteria provided, single submitter. Criteria: ICSL Variant Classification Criteria 13 December 2019. Collection method: clinical testing. Allele origin: germline.
Comment: This variant was observed in the ICSL laboratory as part of a predisposition screen in an ostensibly healthy population. It had not been previously curated by ICSL or reported in the Human Gene Mutation Database (HGMD: prior to June 1st, 2018), and was therefore a candidate for classification through an automated scoring system. Utilizing variant allele frequency, disease prevalence and penetrance estimates, and inheritance mode, an automated score was calculated to assess if this variant is too frequent to cause the disease. Based on the score and internal cut-off values, a variant classified as benign is not then subjected to further curation. The score for this variant resulted in a classification of benign for this disease.

Illumina Laboratory Services, Illumina
Classification: Benign for Leigh syndrome. Last evaluated: 2018-01-13. Review status: criteria provided, single submitter. Criteria: ICSL Variant Classification Criteria 13 December 2019. Collection method: clinical testing. Allele origin: germline.
Comment: the same text as in the submission from Illumina Laboratory Services, Illumina above.

Breakthrough Genomics
Classification: Benign. Review status: criteria provided, single submitter. Criteria: ACMG Guidelines, 2015. Collection method: not provided. Allele origin: germline. Inheritance: Autosomal recessive inheritance. Affected: yes.

NM_001303.4(COX10):c.*1076T>C

Gene: COX10 (cytochrome c oxidase assembly factor heme A:farnesyltransferase COX10; plus strand). Cytogenetic location: 17p12.
Variant type: single nucleotide variant.
Coding change: c.*1076T>C on transcript NM_001303.4 (MANE Select); 1076 bases downstream of the stop codon, T replaced by C.
Molecular consequence: 3 prime UTR variant.
Genome position (GRCh38, 1-based): chr17:14,208,289, T>C. VCF-style: chr17-14208289-T-C. GRCh37 (hg19) VCF-style: chr17-14111606-T-C.
Identifiers: ClinVar variation 321838 (VCV000321838.9), dbSNP rs1050216, ClinGen allele CA10649512.